The following is an entry in ClinVar:

ClinVar aggregate classification (germline): Uncertain significance (1 of 4 stars; one submission).

Submission:

GeneDx
Classification: Uncertain significance. Last evaluated: 2024-03-05. Review status: criteria provided, single submitter. Criteria: GeneDx Variant Classification Process June 2021. Collection method: clinical testing. Allele origin: germline. Affected: yes.
Comment: Not observed at significant frequency in large population cohorts (gnomAD); In silico analysis supports that this missense variant does not alter protein structure/function; Has not been previously published as pathogenic or benign to our knowledge

NM_021076.4(NEFH):c.683G>T (p.Gly228Val)

Gene: NEFH (neurofilament heavy chain; plus strand). Cytogenetic location: 22q12.2.
Variant type: single nucleotide variant.
Coding change: c.683G>T on transcript NM_021076.4 (MANE Select); coding-DNA position 683, G replaced by T.
Protein change: p.Gly228Val; replaces glycine 228 with valine.
Molecular consequence: missense variant.
Genome position (GRCh38, 1-based): chr22:29,480,945, G>T. VCF-style: chr22-29480945-G-T. GRCh37 (hg19) VCF-style: chr22-29876934-G-T.
Other names: short protein forms G228V.
Identifiers: ClinVar variation 3369641 (VCV003369641.1).
Genomic context (GRCh38, chr22:29,480,945, plus strand): 5'-AGGCCGAGGCGGCGCGCGTGGACCTGCAGAAGAAGGCGCAGGCGCTGCAGGAGGAGTGCG[G>T]CTACCTGCGGCGCCACCACCAGGAAGAGGTGGGCGAGCTGCTCGGCCAGATCCAGGGCTC-3'
Protein context (NP_066554.2, residues 218-238): KKAQALQEEC[Gly228Val]YLRRHHQEEV